The following is an entry in ClinVar:

NM_000956.4(PTGER2):c.247T>G (p.Cys83Gly)

Gene: PTGER2 (prostaglandin E receptor 2; plus strand). Cytogenetic location: 14q22.1.
Variant type: single nucleotide variant.
Coding change: c.247T>G on transcript NM_000956.4 (MANE Select); coding-DNA position 247, T replaced by G.
Protein change: p.Cys83Gly; replaces cysteine 83 with glycine.
Molecular consequence: missense variant.
Genome position (GRCh38, 1-based): chr14:52,314,795, T>G. VCF-style: chr14-52314795-T-G. GRCh37 (hg19) VCF-style: chr14-52781513-T-G.
Other names: short protein forms C83G.
Identifiers: ClinVar variation 710814 (VCV000710814.28), dbSNP rs111965614, ClinGen allele CA7187755.
Genomic context (GRCh38, chr14:52,314,795, plus strand): 5'-TCCCTCTCCTTGTTCCACGTGCTGGTGACCGAGCTGGTGTTCACCGACCTGCTCGGGACC[T>G]GCCTCATCAGCCCAGTGGTACTGGCTTCGTACGCGCGGAACCAGACCCTGGTGGCACTGG-3'
Protein context (NP_000947.2, residues 73-93): ELVFTDLLGT[Cys83Gly]LISPVVLASY

ClinVar aggregate classification (germline): Benign/Likely benign. Review status: criteria provided, multiple submitters, no conflicts (2 of 4 stars). 3 submissions from 3 submitters: Benign (2); Likely benign (1). Last evaluated 2023-08-01.

Allele frequency attached by ClinVar (database versions not stated): 1000 Genomes Project 0.00419; 1000 Genomes Project 30x 0.00437; gnomAD 0.00516 and 0.00524; TOPMed 0.00532; ExAC 0.00539; gnomAD exomes 0.00550 and 0.00581; ESP Exome Variant Server 0.00600.
gnomAD v4.1: 9,319 of 1,612,730 alleles (0.58%); highest among the groups gnomAD compares: Middle Eastern, 0.76%; 38 homozygotes.

Submissions (3):

CeGaT Center for Human Genetics Tuebingen
Classification: Likely benign. Last evaluated: 2023-08-01. Review status: criteria provided, single submitter. Criteria: CeGaT Center For Human Genetics Tuebingen Variant Classification Criteria Version 2. Collection method: clinical testing. Allele origin: germline. Affected: yes. Observed: 1 variant allele.
Comment: PTGER2: BS2

Labcorp Genetics (formerly Invitae), Labcorp
Classification: Benign. Last evaluated: 2018-06-28. Review status: criteria provided, single submitter. Criteria: Invitae Variant Classification Sherloc (09022015). Collection method: clinical testing. Allele origin: germline.

Breakthrough Genomics
Classification: Benign. Review status: criteria provided, single submitter. Criteria: ACMG Guidelines, 2015. Collection method: not provided. Allele origin: germline. Inheritance: Autosomal recessive inheritance. Affected: yes.